The following is an entry in ClinVar:

NM_139027.6(ADAMTS13):c.*168C>T

Gene: ADAMTS13 (ADAM metallopeptidase with thrombospondin type 1 motif 13; plus strand). Cytogenetic location: 9q34.2.
Variant type: single nucleotide variant.
Coding change: c.*168C>T on transcript NM_139027.6 (MANE Select); 168 bases downstream of the stop codon, C replaced by T.
Molecular consequence: 3 prime UTR variant. On other transcripts: non-coding transcript variant (1).
Genome position (GRCh38, 1-based): chr9:133,459,348, C>T. VCF-style: chr9-133459348-C-T. GRCh37 (hg19) VCF-style: chr9-136324470-C-T.
Other names: c.*168C>T (NM_139025.5, NM_139026.6).
Identifiers: ClinVar variation 914313 (VCV000914313.5), dbSNP rs142792179, ClinGen allele CA200947984.
Genomic context (GRCh38, chr9:133,459,348, plus strand): 5'-TCTTCTCCAATGTCCAAAAGGCTAGGGGGTTGGAGGTGGGGACTCTGGAAAAGCAGCCCC[C>T]ATTTCCTCGGGTACCAATAAATAAAACATGCAGGCTGACCGGCGTTTTTTTCTTATAAGC-3'

ClinVar aggregate classification (germline): Benign. Review status: criteria provided, multiple submitters, no conflicts (2 of 4 stars). 2 submissions from 2 submitters: Benign (2). Last evaluated 2017-04-27.

Conditions:
Upshaw-Schulman syndrome (TTP). Also called: THROMBOTIC THROMBOCYTOPENIC PURPURA, HEREDITARY; Congenital thrombotic thrombocytopenic purpura. Identifiers: Orphanet 93583, MedGen C1268935, MONDO:0010122, OMIM 274150.

Allele frequency attached by ClinVar (database versions not stated): ExAC 0.00204; gnomAD exomes 0.00276; gnomAD 0.00572 and 0.00610; TOPMed 0.00685; 1000 Genomes Project 30x 0.00718; 1000 Genomes Project 0.00719.
gnomAD v4.1: 1,914 of 751,284 alleles (0.25%); highest among the groups gnomAD compares: African/African-American, 1.7%; 16 homozygotes.

Submissions (2):

Illumina Laboratory Services, Illumina
Classification: Benign for Upshaw-Schulman syndrome. Last evaluated: 2017-04-27. Review status: criteria provided, single submitter. Criteria: ICSL Variant Classification Criteria 13 December 2019. Collection method: clinical testing. Allele origin: germline.
Comment: This variant was observed as part of a predisposition screen in an ostensibly healthy population. A literature search was performed for the gene, cDNA change, and amino acid change (where applicable). No publications were found based on this search. Allele frequency data from public databases was too high to be consistent with this variant causing disease. Therefore, this variant is classified as benign.

Breakthrough Genomics
Classification: Benign. Review status: criteria provided, single submitter. Criteria: ACMG Guidelines, 2015. Collection method: not provided. Allele origin: germline. Inheritance: Autosomal recessive inheritance. Affected: yes.